The following is an entry in ClinVar:

NM_000117.3(EMD):c.57C>T (p.Tyr19=)

Gene: EMD (emerin; plus strand). Cytogenetic location: Xq28.
Variant type: single nucleotide variant.
Coding change: c.57C>T on transcript NM_000117.3 (MANE Select); coding-DNA position 57, C replaced by T.
Protein change: p.Tyr19=; no amino-acid change (tyrosine 19 retained).
Molecular consequence: synonymous variant.
Genome position (GRCh38, 1-based): chrX:154,379,541, C>T. VCF-style: chrX-154379541-C-T. GRCh37 (hg19) VCF-style: chrX-153607901-C-T.
Identifiers: ClinVar variation 227354 (VCV000227354.15), dbSNP rs371661299, ClinGen allele CA10561495.

ClinVar aggregate classification (germline): Likely benign. Review status: criteria provided, multiple submitters, no conflicts (2 of 4 stars). 2 submissions from 2 submitters: Likely benign (2). Last evaluated 2023-06-09.

Conditions:
X-linked Emery-Dreifuss muscular dystrophy. Also called: Muscular dystrophy, tardive Emery-Dreifuss type, with contractures. Identifiers: Orphanet 261, Orphanet 98863, MedGen C0751337, MONDO:0010680.

Allele frequency attached by ClinVar (database versions not stated): TOPMed 0.00001; ExAC 0.00007; ESP Exome Variant Server 0.00010; gnomAD exomes below 0.00001 and 0.00001; gnomAD 0.00001.
gnomAD v4.1: 4 of 1,169,490 alleles (0.00034%); highest among the groups gnomAD compares: African/African-American, 0.0071%; no homozygotes.

Submissions (2):

Labcorp Genetics (formerly Invitae), Labcorp
Classification: Likely benign for X-linked Emery-Dreifuss muscular dystrophy. Last evaluated: 2023-06-09. Review status: criteria provided, single submitter. Criteria: Invitae Variant Classification Sherloc (09022015). Collection method: clinical testing. Allele origin: germline.

Laboratory for Molecular Medicine, Mass General Brigham Personalized Medicine
Classification: Likely benign. Last evaluated: 2015-10-28. Review status: criteria provided, single submitter. Criteria: LMM Criteria. Collection method: clinical testing. Allele origin: germline. Observed: 1 variant allele.
Comment: p.Tyr19Tyr in exon 1 of EMD: This variant is not expected to have clinical signi ficance because it does not alter an amino acid residue and is not located withi n the splice consensus sequence. It has been identified in the hemizygous state in 1/2149 African chromosomes by the Exome Aggregation Consortium (ExAC; dbSNP rs371661299).